The following is an entry in ClinVar:

NM_182914.3(SYNE2):c.17959T>C (p.Ser5987Pro)

Gene: SYNE2 (spectrin repeat containing nuclear envelope protein 2; plus strand). Cytogenetic location: 14q23.2.
Variant type: single nucleotide variant.
Coding change: c.17959T>C on transcript NM_182914.3 (MANE Select); coding-DNA position 17959, T replaced by C.
Protein change: p.Ser5987Pro; replaces serine 5987 with proline.
Molecular consequence: missense variant.
Genome position (GRCh38, 1-based): chr14:64,190,158, T>C. VCF-style: chr14-64190158-T-C. GRCh37 (hg19) VCF-style: chr14-64656876-T-C.
Other names: c.17959T>C, p.Ser5987Pro (NM_015180.6); short protein forms S5987P.
Identifiers: ClinVar variation 936611 (VCV000936611.10), dbSNP rs772035517, ClinGen allele CA7223882.

ClinVar aggregate classification (germline): Uncertain significance. Review status: criteria provided, multiple submitters, no conflicts (2 of 4 stars). 2 submissions from 2 submitters: Uncertain significance (2). Last evaluated 2025-09-14.

Conditions:
Emery-Dreifuss muscular dystrophy 5, autosomal dominant (EDMD5). Also called: EMERY-DREIFUSS MUSCULAR DYSTROPHY 5. Identifiers: Orphanet 261, MedGen C2751805, MONDO:0013072, OMIM 612999.

Allele frequency attached by ClinVar (database versions not stated): TOPMed 0.00002; ExAC 0.00003; gnomAD 0.00003 and 0.00004; gnomAD exomes 0.00003.
gnomAD v4.1: 41 of 1,613,924 alleles (0.0025%); highest among the groups gnomAD compares: Non-Finnish European, 0.0034%; no homozygotes.

Submissions (2):

Labcorp Genetics (formerly Invitae), Labcorp
Classification: Uncertain significance for Emery-Dreifuss muscular dystrophy 5, autosomal dominant. Last evaluated: 2025-09-14. Review status: criteria provided, single submitter. Criteria: Invitae Variant Classification Sherloc (09022015). Collection method: clinical testing. Allele origin: germline.
Comment: This sequence change replaces serine, which is neutral and polar, with proline, which is neutral and non-polar, at codon 5987 of the SYNE2 protein (p.Ser5987Pro). This variant is present in population databases (rs772035517, gnomAD 0.006%). This variant has not been reported in the literature in individuals affected with SYNE2-related conditions. ClinVar contains an entry for this variant (Variation ID: 936611). An algorithm developed to predict the effect of missense changes on protein structure and function (PolyPhen-2) suggests that this variant is likely to be tolerated. In summary, the available evidence is currently insufficient to determine the role of this variant in disease. Therefore, it has been classified as a Variant of Uncertain Significance.

Ambry Genetics
Classification: Uncertain significance. Last evaluated: 2024-07-16. Review status: criteria provided, single submitter. Criteria: Ambry Variant Classification Scheme 2023. Collection method: clinical testing. Allele origin: germline.